The following is an entry in ClinVar:

NM_020975.6(RET):c.3050A>G (p.Asp1017Gly)

Gene: RET (ret proto-oncogene; plus strand). Cytogenetic location: 10q11.21.
Variant type: single nucleotide variant.
Coding change: c.3050A>G on transcript NM_020975.6 (MANE Select); coding-DNA position 3050, A replaced by G.
Protein change: p.Asp1017Gly; replaces aspartic acid 1017 with glycine.
Molecular consequence: missense variant.
Genome position (GRCh38, 1-based): chr10:43,126,585, A>G. VCF-style: chr10-43126585-A-G. GRCh37 (hg19) VCF-style: chr10-43622033-A-G.
Other names: c.2921A>G, p.Asp974Gly (NM_001406764.1, NM_001406761.1, NM_001406762.1); c.2915A>G, p.Asp972Gly (NM_001406765.1, NM_001406763.1); c.2762A>G, p.Asp921Gly (NM_001406766.1, NM_001406767.1, NM_001406770.1); c.2786A>G, p.Asp929Gly (NM_001406768.1); c.2654A>G, p.Asp885Gly (NM_001406769.1, NM_001406772.1); c.2612A>G, p.Asp871Gly (NM_001406771.1, NM_001406773.1); c.2525A>G, p.Asp842Gly (NM_001406774.1); c.3050A>G, p.Asp1017Gly (NM_000323.2, NM_001406743.1, NM_001406744.1 and 4 more transcripts); and 10 more; short protein forms D1017G, D763G, D673G, D678G, D718G, D675G, D775G, D871G.
Identifiers: ClinVar variation 577439 (VCV000577439.13), dbSNP rs762414334, ClinGen allele CA042384.

ClinVar aggregate classification (germline): Uncertain significance. Review status: criteria provided, multiple submitters, no conflicts (2 of 4 stars). 4 submissions from 4 submitters: Uncertain significance (4). Last evaluated 2025-03-27.

Conditions:
Hereditary cancer-predisposing syndrome. Also called: Tumor predisposition; Hereditary neoplastic syndrome; Hereditary Cancer Syndrome; Neoplastic Syndromes, Hereditary. Identifiers: Orphanet 140162, MedGen C0027672, MeSH D009386, MONDO:0015356.
Multiple endocrine neoplasia, type 2 (MEN2). Identifiers: Orphanet 653, MedGen C4048306, MONDO:0019003. Disease mechanism: gain of function.

Allele frequency attached by ClinVar (database versions not stated): gnomAD exomes below 0.00001; ExAC 0.00001.

Submissions (4):

Labcorp Genetics (formerly Invitae), Labcorp
Classification: Uncertain significance for Multiple endocrine neoplasia, type 2. Last evaluated: 2025-03-27. Review status: criteria provided, single submitter. Criteria: Invitae Variant Classification Sherloc (09022015). Collection method: clinical testing. Allele origin: germline.
Comment: This sequence change replaces aspartic acid, which is acidic and polar, with glycine, which is neutral and non-polar, at codon 1017 of the RET protein (p.Asp1017Gly). This variant is present in population databases (rs762414334, gnomAD 0.0009%). This variant has not been reported in the literature in individuals affected with RET-related conditions. ClinVar contains an entry for this variant (Variation ID: 577439). An algorithm developed to predict the effect of missense changes on protein structure and function (PolyPhen-2) suggests that this variant is likely to be disruptive. In summary, the available evidence is currently insufficient to determine the role of this variant in disease. Therefore, it has been classified as a Variant of Uncertain Significance.

All of Us Research Program, National Institutes of Health
Classification: Uncertain significance for Multiple endocrine neoplasia, type 2. Last evaluated: 2024-09-16. Review status: criteria provided, single submitter. Criteria: ACMG Guidelines, 2015. Collection method: clinical testing. Allele origin: germline. Inheritance: Autosomal dominant inheritance. Observed: 2 variant alleles, 2 heterozygotes.
Comment: This missense variant replaces aspartic acid with glycine at codon 1017 of the RET protein. Computational prediction suggests that this variant may have deleterious impact on protein structure and function (internally defined REVEL score threshold >= 0.7, PMID: 27666373). To our knowledge, functional studies have not been reported for this variant. This variant has not been reported in individuals affected with hereditary cancer in the literature. This variant has been identified in 1/251410 chromosomes in the general population by the Genome Aggregation Database (gnomAD). The available evidence is insufficient to determine the role of this variant in disease conclusively. Therefore, this variant is classified as a Variant of Uncertain Significance.

This study involves interpretation of variants in research participants for the purpose of population health screening. Participant phenotype was not available at the time of variant classification. Additional details can be found in publication PMID: 35346344, PMCID: PMC8962531

Color Diagnostics, LLC DBA Color Health
Classification: Uncertain significance for Multiple endocrine neoplasia, type 2. Last evaluated: 2024-07-31. Review status: criteria provided, single submitter. Criteria: ACMG Guidelines, 2015. Collection method: clinical testing. Allele origin: germline.
Comment: This missense variant replaces aspartic acid with glycine at codon 1017 of the RET protein. Computational prediction suggests that this variant may have deleterious impact on protein structure and function. To our knowledge, functional studies have not been reported for this variant. This variant has not been reported in individuals affected with hereditary cancer in the literature. This variant has been identified in 1/251410 chromosomes in the general population by the Genome Aggregation Database (gnomAD). The available evidence is insufficient to determine the role of this variant in disease conclusively. Therefore, this variant is classified as a Variant of Uncertain Significance.

Ambry Genetics
Classification: Uncertain significance for Hereditary cancer-predisposing syndrome. Last evaluated: 2024-06-03. Review status: criteria provided, single submitter. Criteria: Ambry Variant Classification Scheme 2023. Collection method: clinical testing. Allele origin: germline.
Comment: The p.D1017G variant (also known as c.3050A>G), located in coding exon 19 of the RET gene, results from an A to G substitution at nucleotide position 3050. The aspartic acid at codon 1017 is replaced by glycine, an amino acid with similar properties. This amino acid position is highly conserved in available vertebrate species. In addition, this alteration is predicted to be deleterious by in silico analysis. Based on the available evidence, the clinical significance of this variant remains unclear.